The following is an entry in ClinVar:

NM_000051.4(ATM):c.6230T>C (p.Leu2077Pro)

Genes: ATM (ATM serine/threonine kinase; plus strand), C11orf65 (chromosome 11 open reading frame 65; minus strand). Cytogenetic location: 11q22.3.
Variant type: single nucleotide variant.
Coding change: c.6230T>C on transcript NM_000051.4 (MANE Select); coding-DNA position 6230, T replaced by C.
Protein change: p.Leu2077Pro; replaces leucine 2077 with proline.
Molecular consequence: missense variant. On other transcripts: intron variant (2).
Genome position (GRCh38, 1-based): chr11:108,317,404, T>C. VCF-style: chr11-108317404-T-C. GRCh37 (hg19) VCF-style: chr11-108188131-T-C.
Other names: c.6230T>C, p.Leu2077Pro (NM_001351834.2); c.641-8333A>G (NM_001330368.2); c.*39-8333A>G (NM_001351110.2); short protein forms L2077P.
Identifiers: ClinVar variation 2110200 (VCV002110200.5), dbSNP rs2547113882, ClinGen allele CA382551174.

ClinVar aggregate classification (germline): Uncertain significance. Review status: criteria provided, multiple submitters, no conflicts (2 of 4 stars). 2 submissions from 2 submitters: Uncertain significance (2). Last evaluated 2024-12-12.

Conditions:
Ataxia-telangiectasia syndrome (AT). Also called: ATAXIA-TELANGIECTASIA, COMPLEMENTATION GROUP A; ATAXIA-TELANGIECTASIA, FRESNO VARIANT; Ataxia-telangiectasia; Ataxia-telangiectasia, complementation group E; LOUIS-BAR SYNDROME; Cerebello-oculocutaneous telangiectasia. Identifiers: Orphanet 100, MedGen C0004135, MONDO:0008840, OMIM 208900.
Hereditary cancer-predisposing syndrome. Also called: Tumor predisposition; Hereditary Cancer Syndrome; Hereditary neoplastic syndrome; Neoplastic Syndromes, Hereditary. Identifiers: Orphanet 140162, MedGen C0027672, MeSH D009386, MONDO:0015356.

Submissions (2):

Ambry Genetics
Classification: Uncertain significance for Hereditary cancer-predisposing syndrome. Last evaluated: 2024-12-12. Review status: criteria provided, single submitter. Criteria: Ambry Variant Classification Scheme 2023. Collection method: clinical testing. Allele origin: germline.
Comment: The p.L2077P variant (also known as c.6230T>C), located in coding exon 42 of the ATM gene, results from a T to C substitution at nucleotide position 6230. The leucine at codon 2077 is replaced by proline, an amino acid with similar properties. This amino acid position is highly conserved in available vertebrate species. In addition, the in silico prediction for this alteration is inconclusive. Based on the available evidence, the clinical significance of this variant remains unclear.

Labcorp Genetics (formerly Invitae), Labcorp
Classification: Uncertain significance for Ataxia-telangiectasia syndrome. Last evaluated: 2022-03-12. Review status: criteria provided, single submitter. Criteria: Invitae Variant Classification Sherloc (09022015). Collection method: clinical testing. Allele origin: germline.
Comment: This variant has not been reported in the literature in individuals affected with ATM-related conditions. Advanced modeling of protein sequence and biophysical properties (such as structural, functional, and spatial information, amino acid conservation, physicochemical variation, residue mobility, and thermodynamic stability) performed at Invitae indicates that this missense variant is not expected to disrupt ATM protein function. Algorithms developed to predict the effect of sequence changes on RNA splicing suggest that this variant may disrupt the consensus splice site. In summary, the available evidence is currently insufficient to determine the role of this variant in disease. Therefore, it has been classified as a Variant of Uncertain Significance. This variant is not present in population databases (gnomAD no frequency). This sequence change replaces leucine, which is neutral and non-polar, with proline, which is neutral and non-polar, at codon 2077 of the ATM protein (p.Leu2077Pro).